The following is an entry in ClinVar:

NM_000382.3(ALDH3A2):c.1097A>G (p.His366Arg)

Gene: ALDH3A2 (aldehyde dehydrogenase 3 family member A2; plus strand). Cytogenetic location: 17p11.2.
Variant type: single nucleotide variant.
Coding change: c.1097A>G on transcript NM_000382.3 (MANE Select); coding-DNA position 1097, A replaced by G.
Protein change: p.His366Arg; replaces histidine 366 with arginine.
Molecular consequence: missense variant.
Genome position (GRCh38, 1-based): chr17:19,663,489, A>G. VCF-style: chr17-19663489-A-G. GRCh37 (hg19) VCF-style: chr17-19566802-A-G.
Other names: c.1097A>G, p.His366Arg (NM_001031806.2, NM_001369136.1, NM_001369137.2 and 3 more transcripts); c.518A>G, p.His173Arg (NM_001369148.2); short protein forms H173R, H366R.
Identifiers: ClinVar variation 2503148 (VCV002503148.2), dbSNP rs1320990535, ClinGen allele CA398710266.

ClinVar aggregate classification (germline): Uncertain significance. Review status: criteria provided, multiple submitters, no conflicts (2 of 4 stars). 2 submissions from 2 submitters: Uncertain significance (2). Last evaluated 2025-11-08.

Conditions:
Inborn genetic diseases. Identifiers: MedGen C0950123, MeSH D030342.

Allele frequency attached by ClinVar (database versions not stated): TOPMed 0.00002; gnomAD 0.00001.
gnomAD v4.1: 37 of 1,613,998 alleles (0.0023%); highest among the groups gnomAD compares: Non-Finnish European, 0.0031%; no homozygotes.

Submissions (2):

Ambry Genetics
Classification: Uncertain significance for Inborn genetic diseases. Last evaluated: 2025-11-08. Review status: criteria provided, single submitter. Criteria: Ambry Variant Classification Scheme 2023. Collection method: clinical testing. Allele origin: germline.

GeneDx
Classification: Uncertain significance. Last evaluated: 2022-11-21. Review status: criteria provided, single submitter. Criteria: GeneDx Variant Classification Process June 2021. Collection method: clinical testing. Allele origin: germline. Affected: yes.
Comment: Has not been previously published as pathogenic or benign to our knowledge; Not observed at significant frequency in large population cohorts (gnomAD); In silico analysis supports that this missense variant does not alter protein structure/function